The following is an entry in ClinVar:

NM_013339.4(ALG6):c.428del (p.Lys143fs)

Gene: ALG6 (ALG6 alpha-1,3-glucosyltransferase; plus strand). Cytogenetic location: 1p31.3.
Variant type: Deletion.
Coding change: c.428del on transcript NM_013339.4 (MANE Select); coding-DNA position 428, one base deleted (A; older notation c.428delA).
Protein change: p.Lys143fs; shifts the reading frame from lysine 143.
Molecular consequence: frameshift variant.
Genome position (GRCh38, 1-based): chr1:63,406,398, A deleted; the last of 5 consecutive A bases (chr1:63,406,394-63,406,398); deleting any one gives the same sequence. VCF-style (leftmost placement, unchanged base first): chr1-63406393-GA-G. GRCh37 (hg19) VCF-style: chr1-63872064-GA-G.
Other names: short protein forms K143fs.
Identifiers: ClinVar variation 1456617 (VCV001456617.8), dbSNP rs1471326272, ClinGen allele CA737736434.

ClinVar aggregate classification (germline): Pathogenic (1 of 4 stars; one submission).

Conditions:
ALG6-congenital disorder of glycosylation 1C (CDG1C). Also called: CARBOHYDRATE-DEFICIENT GLYCOPROTEIN SYNDROME, TYPE I, WITH DEFICIENT GLYCOSYLATION OF DOLICHOL-LINKED OLIGOSACCHARIDE; CARBOHYDRATE-DEFICIENT GLYCOPROTEIN SYNDROME, TYPE V; Congenital disorder of glycosylation type 1C; CDG Ic; Congenital disorder of glycosylation, type Ic. Identifiers: Orphanet 79320, MedGen C2930997, MONDO:0011291, OMIM 603147.

Submission:

Labcorp Genetics (formerly Invitae), Labcorp
Classification: Pathogenic for ALG6-congenital disorder of glycosylation 1C. Last evaluated: 2022-11-23. Review status: criteria provided, single submitter. Criteria: Invitae Variant Classification Sherloc (09022015). Collection method: clinical testing. Allele origin: germline.
Comment: This sequence change creates a premature translational stop signal (p.Lys143Argfs*17) in the ALG6 gene. It is expected to result in an absent or disrupted protein product. Loss-of-function variants in ALG6 are known to be pathogenic (PMID: 19862844). This variant is not present in population databases (gnomAD no frequency). This variant has not been reported in the literature in individuals affected with ALG6-related conditions. ClinVar contains an entry for this variant (Variation ID: 1456617). For these reasons, this variant has been classified as Pathogenic.

Literature cited by the submitters: PubMed 19862844.